The following is an entry in ClinVar:

NM_002047.4(GARS1):c.2005G>A (p.Gly669Ser)

Gene: GARS1 (glycyl-tRNA synthetase 1; plus strand). Cytogenetic location: 7p14.3.
Variant type: single nucleotide variant.
Coding change: c.2005G>A on transcript NM_002047.4 (MANE Select); coding-DNA position 2005, G replaced by A.
Protein change: p.Gly669Ser; replaces glycine 669 with serine.
Molecular consequence: missense variant.
Genome position (GRCh38, 1-based): chr7:30,632,348, G>A. VCF-style: chr7-30632348-G-A. GRCh37 (hg19) VCF-style: chr7-30671964-G-A.
Other names: c.1843G>A, p.Gly615Ser (NM_001316772.1); short protein forms G615S, G669S.
Identifiers: ClinVar variation 2132522 (VCV002132522.4), dbSNP rs1783252843, ClinGen allele CA367130733.

ClinVar aggregate classification (germline): Uncertain significance (1 of 4 stars; one submission).

Conditions:
Charcot-Marie-Tooth disease type 2. Also called: Charcot-Marie-Tooth type 2. Identifiers: Orphanet 64746, MedGen C0270914, MONDO:0018993.

Submission:

Labcorp Genetics (formerly Invitae), Labcorp
Classification: Uncertain significance for Charcot-Marie-Tooth disease type 2. Last evaluated: 2022-05-05. Review status: criteria provided, single submitter. Criteria: Invitae Variant Classification Sherloc (09022015). Collection method: clinical testing. Allele origin: germline.
Comment: Algorithms developed to predict the effect of missense changes on protein structure and function (SIFT, PolyPhen-2, Align-GVGD) all suggest that this variant is likely to be disruptive. In summary, the available evidence is currently insufficient to determine the role of this variant in disease. Therefore, it has been classified as a Variant of Uncertain Significance. This sequence change replaces glycine, which is neutral and non-polar, with serine, which is neutral and polar, at codon 669 of the GARS protein (p.Gly669Ser). This variant is not present in population databases (gnomAD no frequency). This variant has not been reported in the literature in individuals affected with GARS-related conditions.